The following is an entry in ClinVar:

ClinVar aggregate classification (germline): Uncertain significance (1 of 4 stars; one submission).

Submission:

GeneDx
Classification: Uncertain significance. Last evaluated: 2024-09-30. Review status: criteria provided, single submitter. Criteria: GeneDx Variant Classification Process June 2021. Collection method: clinical testing. Allele origin: germline. Affected: yes.
Comment: Not observed at significant frequency in large population cohorts (gnomAD); In silico analysis supports that this missense variant has a deleterious effect on protein structure/function; Has not been previously published as pathogenic or benign to our knowledge

NM_003070.5(SMARCA2):c.824C>G (p.Pro275Arg)

Gene: SMARCA2 (SWI/SNF related BAF chromatin remodeling complex subunit ATPase 2; plus strand). Cytogenetic location: 9p24.3.
Variant type: single nucleotide variant.
Coding change: c.824C>G on transcript NM_003070.5 (MANE Select); coding-DNA position 824, C replaced by G.
Protein change: p.Pro275Arg; replaces proline 275 with arginine.
Molecular consequence: missense variant.
Genome position (GRCh38, 1-based): chr9:2,047,262, C>G. VCF-style: chr9-2047262-C-G. GRCh37 (hg19) VCF-style: chr9-2047262-C-G.
Other names: c.824C>G, p.Pro275Arg (NM_001289396.2, NM_001289397.2, NM_139045.4); short protein forms P275R.
Identifiers: ClinVar variation 3774755 (VCV003774755.1).